The following is an entry in ClinVar:

ClinVar aggregate classification (germline): Uncertain significance (1 of 4 stars; one submission).

Submission:

GeneDx
Classification: Uncertain significance. Last evaluated: 2025-02-20. Review status: criteria provided, single submitter. Criteria: GeneDx Variant Classification Process June 2021. Collection method: clinical testing. Allele origin: germline. Affected: yes.
Comment: Not observed at significant frequency in large population cohorts (gnomAD); In silico analysis supports that this missense variant has a deleterious effect on protein structure/function; Has not been previously published as pathogenic or benign to our knowledge.

NM_145166.4(ZBTB47):c.2105C>A (p.Pro702Gln)

Gene: ZBTB47 (zinc finger and BTB domain containing 47; plus strand). Cytogenetic location: 3p22.1.
Variant type: single nucleotide variant.
Coding change: c.2105C>A on transcript NM_145166.4 (MANE Select); coding-DNA position 2105, C replaced by A.
Protein change: p.Pro702Gln; replaces proline 702 with glutamine.
Molecular consequence: missense variant.
Genome position (GRCh38, 1-based): chr3:42,664,459, C>A. VCF-style: chr3-42664459-C-A. GRCh37 (hg19) VCF-style: chr3-42705951-C-A.
Other names: c.2189C>A, p.Pro730Gln (NM_001410746.1); short protein forms P702Q, P730Q.
Identifiers: ClinVar variation 4076678 (VCV004076678.1).